The following is an entry in ClinVar:

ClinVar aggregate classification (germline): Uncertain significance (1 of 4 stars; one submission).

Conditions:
Encephalopathy, acute, infection-induced (herpes-specific), susceptibility to, 1. Also called: Herpes simplex encephalitis, susceptibility to, 1. Identifiers: Orphanet 1930, MedGen C2750180, MONDO:0024563, OMIM 610551.

Allele frequency attached by ClinVar (database versions not stated): TOPMed 0.00003.
gnomAD v4.1: 13 of 1,613,902 alleles (0.00081%); highest among the groups gnomAD compares: African/African-American, 0.004%; no homozygotes.

Submission:

Labcorp Genetics (formerly Invitae), Labcorp
Classification: Uncertain significance for Encephalopathy, acute, infection-induced (herpes-specific), susceptibility to, 1. Last evaluated: 2025-02-17. Review status: criteria provided, single submitter. Criteria: Invitae Variant Classification Sherloc (09022015). Collection method: clinical testing. Allele origin: germline.
Comment: This sequence change replaces tryptophan, which is neutral and slightly polar, with cysteine, which is neutral and slightly polar, at codon 11 of the TLR3 protein (p.Trp11Cys). This variant is present in population databases (rs755127843, gnomAD 0.007%). This variant has not been reported in the literature in individuals affected with TLR3-related conditions. ClinVar contains an entry for this variant (Variation ID: 2069362). An algorithm developed to predict the effect of missense changes on protein structure and function (PolyPhen-2) suggests that this variant is likely to be tolerated. In summary, the available evidence is currently insufficient to determine the role of this variant in disease. Therefore, it has been classified as a Variant of Uncertain Significance.

NM_003265.3(TLR3):c.33G>T (p.Trp11Cys)

Gene: TLR3 (toll like receptor 3; plus strand). Cytogenetic location: 4q35.1.
Variant type: single nucleotide variant.
Coding change: c.33G>T on transcript NM_003265.3 (MANE Select); coding-DNA position 33, G replaced by T.
Protein change: p.Trp11Cys; replaces tryptophan 11 with cysteine.
Molecular consequence: missense variant.
Genome position (GRCh38, 1-based): chr4:186,076,652, G>T. VCF-style: chr4-186076652-G-T. GRCh37 (hg19) VCF-style: chr4-186997806-G-T.
Other names: short protein forms W11C.
Identifiers: ClinVar variation 2069362 (VCV002069362.4), dbSNP rs755127843, ClinGen allele CA3161142.